The following is an entry in ClinVar:

NM_001377265.1(MAPT):c.769C>T (p.Arg257Cys)

Gene: MAPT (microtubule associated protein tau). Cytogenetic location: 17q21.31.
Variant type: single nucleotide variant.
Coding change: c.769C>T on transcript NM_001377265.1 (MANE Select); coding-DNA position 769, C replaced by T.
Protein change: p.Arg257Cys; replaces arginine 257 with cysteine.
Molecular consequence: missense variant. On other transcripts: intron variant (8).
Genome position (GRCh38, 1-based): chr17:45,983,348, C>T. VCF-style: chr17-45983348-C-T. GRCh37 (hg19) VCF-style: chr17-44060714-C-T.
Other names: c.544C>T (NM_001123066.3); c.544C>T, p.Arg182Cys (NM_001123066.4, NM_016835.5); c.769C>T, p.Arg257Cys (NM_001377266.1); c.200-3692C>T (NM_001377268.1, NM_016834.5, NM_016841.5); c.374-3692C>T (NM_005910.6, NM_001203252.2); c.287-3692C>T (NM_001123067.4, NM_001203251.2, NM_001377267.1); short protein forms R182C, R257C.
Identifiers: ClinVar variation 786803 (VCV000786803.4), dbSNP rs763093275, ClinGen allele CA291102637.

ClinVar aggregate classification (germline): Conflicting classifications of pathogenicity. Review status: criteria provided, conflicting classifications (1 of 4 stars). 2 submissions from 2 submitters: Uncertain significance (1); Likely benign (1). Last evaluated 2025-03-06.

Conditions:
MAPT-related disorder. Also called: MAPT-related condition; MAPT-Related Disorders.

Allele frequency attached by ClinVar (database versions not stated): gnomAD exomes 0.00001 and 0.00002; TOPMed 0.00001.

Submissions (2):

PreventionGenetics, part of Exact Sciences
Classification: Uncertain significance for MAPT-related condition. Last evaluated: 2025-03-06. Review status: criteria provided, single submitter. Criteria: ACMG Guidelines, 2015. Collection method: clinical testing. Allele origin: germline.
Comment: The MAPT c.544C>T variant is predicted to result in the amino acid substitution p.Arg182Cys. In an alternate transcript (NM_005910.5), this variant is found within an intronic region (c.374-3692C>T). To our knowledge, this variant has not been reported in the literature. This variant is reported in 0.0090% of alleles in individuals of Latino descent in gnomAD. At this time, the clinical significance of this variant is uncertain due to the absence of conclusive functional and genetic evidence.

Labcorp Genetics (formerly Invitae), Labcorp
Classification: Likely benign. Last evaluated: 2018-05-13. Review status: criteria provided, single submitter. Criteria: Invitae Variant Classification Sherloc (09022015). Collection method: clinical testing. Allele origin: germline.